The following is an entry in ClinVar:

ClinVar aggregate classification (germline): Likely pathogenic (1 of 4 stars; one submission).

Submission:

Labcorp Genetics (formerly Invitae), Labcorp
Classification: Likely pathogenic. Last evaluated: 2020-07-03. Review status: criteria provided, single submitter. Criteria: Invitae Variant Classification Sherloc (09022015). Collection method: clinical testing. Allele origin: germline.
Comment: In summary, the currently available evidence indicates that the variant is pathogenic, but additional data are needed to prove that conclusively. Therefore, this variant has been classified as Likely Pathogenic. Donor and acceptor splice site variants typically lead to a loss of protein function (PMID: 16199547), and loss-of-function variants in SLC39A4 are known to be pathogenic (PMID: 12955721). Algorithms developed to predict the effect of sequence changes on RNA splicing suggest that this variant may disrupt the consensus splice site, but this prediction has not been confirmed by published transcriptional studies. This variant has not been reported in the literature in individuals with SLC39A4-related conditions. This variant is not present in population databases (ExAC no frequency). This sequence change affects a donor splice site in intron 1 of the SLC39A4 gene. It is expected to disrupt RNA splicing and likely results in an absent or disrupted protein product.

Literature cited by the submitters: PubMed 16199547; PubMed 12955721.

NM_130849.4(SLC39A4):c.192+1G>A

Gene: SLC39A4 (solute carrier family 39 member 4; minus strand). Cytogenetic location: 8q24.3.
Variant type: single nucleotide variant.
Coding change: c.192+1G>A on transcript NM_130849.4 (MANE Select); the canonical splice donor site of the intron after coding-DNA position 192, G replaced by A.
Molecular consequence: splice donor variant.
Genome position (GRCh38, 1-based): chr8:144,416,597, C>T on the plus strand (G>A on the coding strand, the complement: SLC39A4 is on the minus strand). VCF-style: chr8-144416597-C-T. GRCh37 (hg19) VCF-style: chr8-145641981-C-T.
Other names: c.192+1G>A (NM_001374839.1).
Identifiers: ClinVar variation 1066004 (VCV001066004.5), dbSNP rs2130804034, ClinGen allele CA372627878.